The following is an entry in ClinVar:

NM_001006658.3(CR2):c.1063C>T (p.Gln355Ter)

Genes: CR2 (complement C3d receptor 2; plus strand), LOC126805994 (BRD4-independent group 4 enhancer GRCh37_chr1:207642622-207643821; plus strand). Cytogenetic location: 1q32.2.
Variant type: single nucleotide variant.
Coding change: c.1063C>T on transcript NM_001006658.3 (MANE Select); coding-DNA position 1063, C replaced by T.
Protein change: p.Gln355Ter; replaces glutamine 355 with a stop codon.
Molecular consequence: nonsense.
Genome position (GRCh38, 1-based): chr1:207,469,940, C>T. VCF-style: chr1-207469940-C-T. GRCh37 (hg19) VCF-style: chr1-207643285-C-T.
Other names: c.1063C>T, p.Gln355Ter (NM_001877.5); short protein forms Q355*.
Identifiers: ClinVar variation 5018777 (VCV005018777.1).

ClinVar aggregate classification (germline): Likely pathogenic (1 of 4 stars; one submission).

Conditions:
Immunodeficiency, common variable, 7. Identifiers: Orphanet 1572, Orphanet 696894, MedGen C3542922, MONDO:0013862, OMIM 614699.

gnomAD v4.1: 1 of 1,614,020 alleles (0.000062%); highest among the groups gnomAD compares: Non-Finnish European, 0.000085%; no homozygotes.

Submission:

Juno Genomics, Hangzhou Juno Genomics, Inc
Classification: Likely pathogenic for Immunodeficiency, common variable, 7. Review status: criteria provided, single submitter. Criteria: ACMG Guidelines, 2015. Collection method: clinical testing. Allele origin: germline. Affected: yes.
Comment: Absent from controls (or at extremely low frequency if recessive) in Genome Aggregation Database.;Null variant in a gene where loss of function (LOF) is a known mechanism of disease.